The following is an entry in ClinVar:

NM_004484.4(GPC3):c.1681C>T (p.Pro561Ser)

Gene: GPC3 (glypican 3; minus strand). Cytogenetic location: Xq26.2.
Variant type: single nucleotide variant.
Coding change: c.1681C>T on transcript NM_004484.4 (MANE Select); coding-DNA position 1681, C replaced by T.
Protein change: p.Pro561Ser; replaces proline 561 with serine.
Molecular consequence: missense variant.
Genome position (GRCh38, 1-based): chrX:133,536,186, G>A on the plus strand (C>T on the coding strand, the complement: GPC3 is on the minus strand). VCF-style: chrX-133536186-G-A. GRCh37 (hg19) VCF-style: chrX-132670214-G-A.
Other names: c.1750C>T, p.Pro584Ser (NM_001164617.2); c.1633C>T, p.Pro545Ser (NM_001164618.2); c.1519C>T, p.Pro507Ser (NM_001164619.2); short protein forms P561S, P545S, P584S, P507S.
Identifiers: ClinVar variation 576817 (VCV000576817.12), dbSNP rs1569375662, ClinGen allele CA414702567.

ClinVar aggregate classification (germline): Uncertain significance. Review status: criteria provided, single submitter (1 of 4 stars). 2 submissions from 2 submitters: Uncertain significance (1). 1 of the submissions does not count toward it. Last evaluated 2023-03-18.

Conditions:
GPC3-related disorder. Also called: GPC3-related condition.
Wilms tumor 1 (WT1). Also called: Wilms tumor, somatic. Identifiers: Orphanet 654, MedGen CN033288, MONDO:0008679, OMIM 194070.

Submissions (2):

Labcorp Genetics (formerly Invitae), Labcorp
Classification: Uncertain significance for Wilms tumor 1. Last evaluated: 2023-03-18. Review status: criteria provided, single submitter. Criteria: Invitae Variant Classification Sherloc (09022015). Collection method: clinical testing. Allele origin: germline.
Comment: An algorithm developed to predict the effect of missense changes on protein structure and function (PolyPhen-2) suggests that this variant is likely to be tolerated. In summary, the available evidence is currently insufficient to determine the role of this variant in disease. Therefore, it has been classified as a Variant of Uncertain Significance. ClinVar contains an entry for this variant (Variation ID: 576817). This variant has not been reported in the literature in individuals affected with GPC3-related conditions. This variant is not present in population databases (gnomAD no frequency). This sequence change replaces proline, which is neutral and non-polar, with serine, which is neutral and polar, at codon 561 of the GPC3 protein (p.Pro561Ser).

PreventionGenetics, part of Exact Sciences
Classification: Uncertain significance for GPC3-related condition. Last evaluated: 2024-03-27. Review status: no assertion criteria provided. Collection method: clinical testing. Allele origin: germline. Not counted in ClinVar's aggregate classification.
Comment: The GPC3 c.1681C>T variant is predicted to result in the amino acid substitution p.Pro561Ser. To our knowledge, this variant has not been reported in the literature or in a large population database, indicating this variant is rare. At this time, the clinical significance of this variant is uncertain due to the absence of conclusive functional and genetic evidence.